The following is an entry in ClinVar:

NM_005879.3(TRAIP):c.409-5T>G

Gene: TRAIP (TRAF interacting protein; minus strand). Cytogenetic location: 3p21.31.
Variant type: single nucleotide variant.
Coding change: c.409-5T>G on transcript NM_005879.3 (MANE Select); 5 bases into the intron before coding-DNA position 409, T replaced by G.
Molecular consequence: intron variant.
Genome position (GRCh38, 1-based): chr3:49,842,552, A>C on the plus strand (T>G on the coding strand, the complement: TRAIP is on the minus strand). VCF-style: chr3-49842552-A-C. GRCh37 (hg19) VCF-style: chr3-49879985-A-C.
Identifiers: ClinVar variation 1010235 (VCV001010235.5), dbSNP rs2081848600, ClinGen allele CA1363677270.

ClinVar aggregate classification (germline): Uncertain significance (1 of 4 stars; one submission).

Submission:

Labcorp Genetics (formerly Invitae), Labcorp
Classification: Uncertain significance. Last evaluated: 2017-06-21. Review status: criteria provided, single submitter. Criteria: Invitae Variant Classification Sherloc (09022015). Collection method: clinical testing. Allele origin: germline.
Comment: This sequence change falls in intron 5 of the TRAIP gene. It does not directly change the encoded amino acid sequence of the TRAIP protein. In summary, this variant has uncertain impact on TRAIP function. The available evidence is currently insufficient to determine its role in disease. Therefore, it has been classified as a Variant of Uncertain Significance. Algorithms developed to predict the effect of sequence changes on RNA splicing suggest that this variant may disrupt the consensus splice site, but this prediction has not been confirmed by published transcriptional studies. This variant has not been reported in the literature in individuals with a TRAIP-related disease. This variant is not present in population databases (ExAC no frequency).